The following is an entry in ClinVar:

NM_022051.3(EGLN1):c.743C>T (p.Ser248Phe)

Gene: EGLN1 (egl-9 family hypoxia inducible factor 1; minus strand). Cytogenetic location: 1q42.2.
Variant type: single nucleotide variant.
Coding change: c.743C>T on transcript NM_022051.3 (MANE Select); coding-DNA position 743, C replaced by T.
Protein change: p.Ser248Phe; replaces serine 248 with phenylalanine.
Molecular consequence: missense variant.
Genome position (GRCh38, 1-based): chr1:231,421,146, G>A on the plus strand (C>T on the coding strand, the complement: EGLN1 is on the minus strand). VCF-style: chr1-231421146-G-A. GRCh37 (hg19) VCF-style: chr1-231556892-G-A.
Other names: c.743C>T, p.Ser248Phe (NM_001377260.1, NM_001377261.1); short protein forms S248F.
Identifiers: ClinVar variation 3507221 (VCV003507221.1).
Genomic context (GRCh38, chr1:231,421,146, plus strand): 5'-GTTTCGCAGCCGGGCTCCTTGCCCTCGATCCAGGTGATCTTATCGCCTCGGATGTCCTTG[G>A]ACGAGTCACTCTTCTGGCTGACCAGCTGCCCGTCCGTGAACTTCCCGGTGTCGTGCAGGG-3'
Protein context (NP_071334.1, residues 238-258): GQLVSQKSDS[Ser248Phe]KDIRGDKITW

ClinVar aggregate classification (germline): Uncertain significance (1 of 4 stars; one submission).

gnomAD v4.1: 1 of 1,614,176 alleles (0.000062%); highest among the groups gnomAD compares: South Asian, 0.0011%; no homozygotes.

Submission:

Ambry Genetics
Classification: Uncertain significance. Last evaluated: 2024-08-27. Review status: criteria provided, single submitter. Criteria: Ambry Variant Classification Scheme 2023. Collection method: clinical testing. Allele origin: germline.
Comment: The p.S248F variant (also known as c.743C>T), located in coding exon 1 of the EGLN1 gene, results from a C to T substitution at nucleotide position 743. The serine at codon 248 is replaced by phenylalanine, an amino acid with highly dissimilar properties. This amino acid position is conserved. In addition, this alteration is predicted to be tolerated by in silico analysis. Based on the available evidence, the clinical significance of this variant remains unclear.